The following is an entry in ClinVar:

ClinVar aggregate classification (germline): Conflicting classifications of pathogenicity. Review status: criteria provided, conflicting classifications (1 of 4 stars). 2 submissions from 2 submitters: Uncertain significance (1); Likely benign (1). Last evaluated 2025-09-17.

Conditions:
Hereditary cancer-predisposing syndrome. Also called: Hereditary neoplastic syndrome; Tumor predisposition; Hereditary Cancer Syndrome; Neoplastic Syndromes, Hereditary. Identifiers: Orphanet 140162, MedGen C0027672, MeSH D009386, MONDO:0015356.
Neuroblastoma, susceptibility to, 3. Also called: ALK-Related Neuroblastic Tumor Susceptibility. Identifiers: Orphanet 635, MedGen C2751681, MONDO:0013083, OMIM 613014.

Allele frequency attached by ClinVar (database versions not stated): gnomAD exomes 0.00001 and 0.00008; ExAC 0.00004; gnomAD 0.00005; TOPMed 0.00006; ESP Exome Variant Server 0.00009; 1000 Genomes Project 30x 0.00016.
gnomAD v4.1: 121 of 1,552,662 alleles (0.0078%); highest among the groups gnomAD compares: Non-Finnish European, 0.01%; no homozygotes.

Submissions (2):

Labcorp Genetics (formerly Invitae), Labcorp
Classification: Uncertain significance for Neuroblastoma, susceptibility to, 3. Last evaluated: 2025-09-17. Review status: criteria provided, single submitter. Criteria: Invitae Variant Classification Sherloc (09022015). Collection method: clinical testing. Allele origin: germline.
Comment: This sequence change replaces alanine, which is neutral and non-polar, with threonine, which is neutral and polar, at codon 17 of the ALK protein (p.Ala17Thr). The frequency data for this variant in the population databases is considered unreliable, as metrics indicate poor data quality at this position in the gnomAD database. This variant has not been reported in the literature in individuals affected with ALK-related conditions. ClinVar contains an entry for this variant (Variation ID: 576343). An algorithm developed to predict the effect of missense changes on protein structure and function outputs the following: PolyPhen-2: "Benign". The threonine amino acid residue is found in multiple mammalian species, which suggests that this missense change does not adversely affect protein function. In summary, the available evidence is currently insufficient to determine the role of this variant in disease. Therefore, it has been classified as a Variant of Uncertain Significance.

Ambry Genetics
Classification: Likely benign for Hereditary cancer-predisposing syndrome. Last evaluated: 2024-12-24. Review status: criteria provided, single submitter. Criteria: Ambry Variant Classification Scheme 2023. Collection method: clinical testing. Allele origin: germline.

NM_004304.5(ALK):c.49G>A (p.Ala17Thr)

Gene: ALK (ALK receptor tyrosine kinase; minus strand). Cytogenetic location: 2p23.1.
Variant type: single nucleotide variant.
Coding change: c.49G>A on transcript NM_004304.5 (MANE Select); coding-DNA position 49, G replaced by A.
Protein change: p.Ala17Thr; replaces alanine 17 with threonine.
Molecular consequence: missense variant.
Genome position (GRCh38, 1-based): chr2:29,920,611, C>T on the plus strand (G>A on the coding strand, the complement: ALK is on the minus strand). VCF-style: chr2-29920611-C-T. GRCh37 (hg19) VCF-style: chr2-30143477-C-T.
Other names: short protein forms A17T.
Identifiers: ClinVar variation 576343 (VCV000576343.10), dbSNP rs369196372, ClinGen allele CA1595057.